The following is an entry in ClinVar:

NM_012330.4(KAT6B):c.5112C>T (p.Cys1704=)

Gene: KAT6B (lysine acetyltransferase 6B; plus strand). Cytogenetic location: 10q22.2.
Variant type: single nucleotide variant.
Coding change: c.5112C>T on transcript NM_012330.4 (MANE Select); coding-DNA position 5112, C replaced by T.
Protein change: p.Cys1704=; no amino-acid change (cysteine 1704 retained).
Molecular consequence: synonymous variant.
Genome position (GRCh38, 1-based): chr10:75,029,936, C>T. VCF-style: chr10-75029936-C-T. GRCh37 (hg19) VCF-style: chr10-76789694-C-T.
Other names: c.4563C>T, p.Cys1521= (NM_001256468.2, NM_001370138.1); c.4236C>T, p.Cys1412= (NM_001256469.2, NM_001370139.1, NM_001370140.1 and 2 more transcripts); c.4074C>T, p.Cys1358= (NM_001370132.1); c.3423C>T, p.Cys1141= (NM_001370133.1); c.3027C>T, p.Cys1009= (NM_001370134.1); c.2769C>T, p.Cys923= (NM_001370135.1); c.5112C>T, p.Cys1704= (NM_001370136.1, NM_001370137.1); c.4047C>T, p.Cys1349= (NM_001370143.1, NM_001370144.1).
Identifiers: ClinVar variation 514641 (VCV000514641.11), dbSNP rs767983250, ClinGen allele CA5565143.

ClinVar aggregate classification (germline): Likely benign. Review status: criteria provided, multiple submitters, no conflicts (2 of 4 stars). 4 submissions from 4 submitters: Likely benign (3). 1 of the submissions does not count toward it. Last evaluated 2025-11-27.

Conditions:
KAT6B-related disorder. Also called: KAT6B-related disorders; KAT6B-related condition.
Genitopatellar syndrome (GTPTS). Also called: Genitopatellar syndrome (GPS); ABSENT PATELLAE, SCROTAL HYPOPLASIA, RENAL ANOMALIES, FACIAL DYSMORPHISM, AND MENTAL RETARDATION. Identifiers: Orphanet 85201, MedGen C1853566, MONDO:0011640, OMIM 606170.
Blepharophimosis - intellectual disability syndrome, SBBYS type (SBBYSS). Also called: Say-Barber-Biesecker variant of Ohdo syndrome (SBBYSS); Say-Barber-Biesecker-Young-Simpson syndrome; Ohdo syndrome, SBBYS variant; SBBYSS syndrome; Say-Barber-Biesecker-Young-Simpson variant of Ohdo Syndrome; Say-Barber-Biesecker Variant of Ohdo Syndrome. Identifiers: Orphanet 3047, MedGen C1863557, MONDO:0011365, OMIM 603736.

Allele frequency attached by ClinVar (database versions not stated): ExAC 0.00001; gnomAD 0.00001; gnomAD exomes 0.00002 and 0.00003; TOPMed 0.00002.
gnomAD v4.1: 47 of 1,614,098 alleles (0.0029%); highest among the groups gnomAD compares: Non-Finnish European, 0.0037%; no homozygotes.

Submissions (4):

Labcorp Genetics (formerly Invitae), Labcorp
Classification: Likely benign for Genitopatellar syndrome. Last evaluated: 2025-11-27. Review status: criteria provided, single submitter. Criteria: Invitae Variant Classification Sherloc (09022015). Collection method: clinical testing. Allele origin: germline.

Fulgent Genetics
Classification: Likely benign for Blepharophimosis - intellectual disability syndrome, SBBYS type; Genitopatellar syndrome. Last evaluated: 2022-03-03. Review status: criteria provided, single submitter. Criteria: ACMG Guidelines, 2015. Collection method: clinical testing. Allele origin: unknown.

GeneDx
Classification: Likely benign. Last evaluated: 2021-03-11. Review status: criteria provided, single submitter. Criteria: GeneDx Variant Classification Process June 2021. Collection method: clinical testing. Allele origin: germline. Affected: yes.

PreventionGenetics, part of Exact Sciences
Classification: Likely benign for KAT6B-related condition. Last evaluated: 2019-05-30. Review status: no assertion criteria provided. Collection method: clinical testing. Allele origin: germline. Not counted in ClinVar's aggregate classification.
Comment: This variant is classified as likely benign based on ACMG/AMP sequence variant interpretation guidelines (Richards et al. 2015 PMID: 25741868, with internal and published modifications).